The following is an entry in ClinVar:

ClinVar aggregate classification (germline): Uncertain significance (1 of 4 stars; one submission).

gnomAD v4.1: 11 of 1,573,312 alleles (0.0007%); highest among the groups gnomAD compares: Admixed American, 0.0038%; no homozygotes.

Submission:

Ambry Genetics
Classification: Uncertain significance. Last evaluated: 2025-01-04. Review status: criteria provided, single submitter. Criteria: Ambry Variant Classification Scheme 2023. Collection method: clinical testing. Allele origin: germline.
Comment: The p.E1889K variant (also known as c.5665G>A), located in coding exon 22 of the WNK2 gene, results from a G to A substitution at nucleotide position 5665. The glutamic acid at codon 1889 is replaced by lysine, an amino acid with similar properties. This amino acid position is conserved. In addition, this alteration is predicted to be deleterious by in silico analysis. Based on the available evidence, the clinical significance of this variant remains unclear.

NM_006648.4(WNK2):c.5665G>A (p.Glu1889Lys)

Gene: WNK2 (WNK lysine deficient protein kinase 2; plus strand). Cytogenetic location: 9q22.31.
Variant type: single nucleotide variant.
Coding change: c.5665G>A on transcript NM_006648.4 (MANE Select); coding-DNA position 5665, G replaced by A.
Protein change: p.Glu1889Lys; replaces glutamic acid 1889 with lysine.
Molecular consequence: missense variant.
Genome position (GRCh38, 1-based): chr9:93,293,130, G>A. VCF-style: chr9-93293130-G-A. GRCh37 (hg19) VCF-style: chr9-96055412-G-A.
Other names: c.5776G>A, p.Glu1926Lys (NM_001282394.3); short protein forms E1889K, E1926K.
Identifiers: ClinVar variation 3816720 (VCV003816720.1).
Genomic context (GRCh38, chr9:93,293,130, plus strand): 5'-AGCGTGACCTCCTTCCATTCCCAGTCGTCCTACATCAGCAGCGACAATGATTCGGAGCTC[G>A]AGGATGCTGACATAAAGAAGGAGCTGCAGAGTCTGCGGGAGAAGTAGGTCCTGCGGGCAG-3'
Protein context (NP_006639.3, residues 1879-1899): YISSDNDSEL[Glu1889Lys]DADIKKELQS